The following is an entry in ClinVar:

ClinVar aggregate classification (germline): Uncertain significance (1 of 4 stars; one submission).

Allele frequency attached by ClinVar (database versions not stated): gnomAD exomes below 0.00001.
gnomAD v4.1: 1 of 1,613,792 alleles (0.000062%); highest among the groups gnomAD compares: Non-Finnish European, 0.000085%; no homozygotes.

Submission:

GeneDx
Classification: Uncertain significance. Last evaluated: 2019-09-10. Review status: criteria provided, single submitter. Criteria: GeneDx Variant Classification Process June 2021. Collection method: clinical testing. Allele origin: germline. Affected: yes.
Comment: Not observed in large population cohorts (Lek et al., 2016); In silico analysis, which includes protein predictors and evolutionary conservation, supports a deleterious effect; Has not been previously published as pathogenic or benign to our knowledge

NM_000170.3(GLDC):c.2510C>T (p.Ala837Val)

Gene: GLDC (glycine decarboxylase; minus strand). Cytogenetic location: 9p24.1.
Variant type: single nucleotide variant.
Coding change: c.2510C>T on transcript NM_000170.3 (MANE Select); coding-DNA position 2510, C replaced by T.
Protein change: p.Ala837Val; replaces alanine 837 with valine.
Molecular consequence: missense variant.
Genome position (GRCh38, 1-based): chr9:6,550,862, G>A on the plus strand (C>T on the coding strand, the complement: GLDC is on the minus strand). VCF-style: chr9-6550862-G-A. GRCh37 (hg19) VCF-style: chr9-6550862-G-A.
Other names: short protein forms A837V.
Identifiers: ClinVar variation 1312249 (VCV001312249.2), dbSNP rs1157130507, ClinGen allele CA372876184.
Genomic context (GRCh38, chr9:6,550,862, plus strand): 5'-CCTCTTGCACCCCTGAAAAGAATTCTGTAGTGTGTTTCTAATCGCTTGGCCATGTAGTTG[G>A]CATTTAATATCGCAGTTTCCGTGGCTTGTTTAAGACCCTTGCCTCCCATCATCTGCAACA-3'
Protein context (NP_000161.2, residues 827-847): KQATETAILN[Ala837Val]NYMAKRLETH